The following is an entry in ClinVar:

NM_020163.3(SEMA3G):c.1270C>T (p.Arg424Cys)

Gene: SEMA3G (semaphorin 3G; minus strand). Cytogenetic location: 3p21.1.
Variant type: single nucleotide variant.
Coding change: c.1270C>T on transcript NM_020163.3 (MANE Select); coding-DNA position 1270, C replaced by T.
Protein change: p.Arg424Cys; replaces arginine 424 with cysteine.
Molecular consequence: missense variant.
Genome position (GRCh38, 1-based): chr3:52,439,972, G>A on the plus strand (C>T on the coding strand, the complement: SEMA3G is on the minus strand). VCF-style: chr3-52439972-G-A. GRCh37 (hg19) VCF-style: chr3-52473988-G-A.
Other names: c.1270C>T (NM_020163.1); short protein forms R424C.
Identifiers: ClinVar variation 3349366 (VCV003349366.3).

ClinVar aggregate classification (germline): Uncertain significance. Review status: criteria provided, multiple submitters, no conflicts (2 of 4 stars). 2 submissions from 2 submitters: Uncertain significance (2). Last evaluated 2025-09-04.

Conditions:
SEMA3G-related disorder. Also called: SEMA3G-related condition.

Submissions (2):

Ambry Genetics
Classification: Uncertain significance. Last evaluated: 2025-09-04. Review status: criteria provided, single submitter. Criteria: Ambry Variant Classification Scheme 2023. Collection method: clinical testing. Allele origin: germline.

PreventionGenetics, part of Exact Sciences
Classification: Uncertain significance for SEMA3G-related condition. Last evaluated: 2025-07-30. Review status: criteria provided, single submitter. Criteria: ACMG Guidelines, 2015. Collection method: clinical testing. Allele origin: germline.
Comment: The SEMA3G c.1270C>T variant is predicted to result in the amino acid substitution p.Arg424Cys. To our knowledge, this variant has not been reported in the literature. This variant is reported in 0.0029% of alleles in individuals of Latino descent in gnomAD. At this time, the clinical significance of this variant is uncertain due to the absence of conclusive functional and genetic evidence.